The following is an entry in ClinVar:

ClinVar aggregate classification (germline): Pathogenic/Likely pathogenic. Review status: criteria provided, multiple submitters, no conflicts (2 of 4 stars). 2 submissions from 2 submitters: Pathogenic (1); Likely pathogenic (1). Last evaluated 2025-05-21.

Conditions:
Peroxisome biogenesis disorder 9B. Also called: PEX7-Related Refsum Disease; PEROXISOME BIOGENESIS DISORDER, PEX7-RELATED, ATYPICAL; Refsum disease, adult, 2. Identifiers: Orphanet 773, MedGen C2749346, MONDO:0013945, OMIM 614879.
Rhizomelic chondrodysplasia punctata type 1 (RCDP1). Also called: CHONDRODYSTROPHIA CALCIFICANS PUNCTATA; PEROXISOME BIOGENESIS DISORDER 9; PEX7-Related Rhizomelic Chondrodysplasia Punctata. Identifiers: Orphanet 177, Orphanet 309789, MedGen C1859133, MONDO:0008972, OMIM 215100. Disease mechanism: loss of function.

Submissions (2):

3billion
Classification: Pathogenic for Rhizomelic chondrodysplasia punctata type 1. Last evaluated: 2025-05-21. Review status: criteria provided, single submitter. Criteria: ACMG Guidelines, 2015. Collection method: clinical testing. Allele origin: germline. Affected: yes.
Comment: The variant is not observed in the gnomAD v4.1.0 dataset. Predicted Consequence/Location: Canonical splice site: predicted to alter splicing and result in a loss or disruption of normal protein function. Multiple pathogenic loss-of-function variants are reported downstream of the variant. In silico tools predict the variant to alter splicing and produce an abnormal transcript [SpliceAI: 0.97 (spliceogenicity >=0.2, non-spliceogenicity <0.1)]. The variant has been reported to be associated with PEX7-related disorder (ClinVar ID: VCV002677727). Therefore, this variant is classified as Pathogenic according to the recommendation of ACMG/AMP guideline.

Baylor Genetics
Classification: Likely pathogenic for Peroxisome biogenesis disorder 9B. Last evaluated: 2023-05-11. Review status: criteria provided, single submitter. Criteria: ACMG Guidelines, 2015. Collection method: clinical testing. Allele origin: unknown.

NM_000288.4(PEX7):c.634-2A>G

Gene: PEX7 (peroxisomal biogenesis factor 7; plus strand). Cytogenetic location: 6q23.3.
Variant type: single nucleotide variant.
Coding change: c.634-2A>G on transcript NM_000288.4 (MANE Select); the canonical splice acceptor site of the intron before coding-DNA position 634, A replaced by G.
Molecular consequence: splice acceptor variant.
Genome position (GRCh38, 1-based): chr6:136,869,888, A>G. VCF-style: chr6-136869888-A-G. GRCh37 (hg19) VCF-style: chr6-137191026-A-G.
Other names: c.520-2A>G (NM_001410945.1).
Identifiers: ClinVar variation 2677727 (VCV002677727.2), dbSNP rs2548095304, ClinGen allele CA365763920.